The following is an entry in ClinVar:

ClinVar aggregate classification (germline): Uncertain significance (1 of 4 stars; one submission).

Submission:

Labcorp Genetics (formerly Invitae), Labcorp
Classification: Uncertain significance. Last evaluated: 2023-10-05. Review status: criteria provided, single submitter. Criteria: Invitae Variant Classification Sherloc (09022015). Collection method: clinical testing. Allele origin: unknown.
Comment: This variant results in a copy number gain of the genomic region encompassing exon(s) 1-14 of the C3 gene. This region includes the initiator codon of the gene. This copy number gain extends beyond the assayed region for this gene and therefore may encompass additional genes. As the precise location of this event is unknown, it may be in tandem or it may be located elsewhere in the genome. This variant has not been reported in the literature in individuals affected with C3-related conditions. In summary, the available evidence is currently insufficient to determine the role of this variant in disease. Therefore, it has been classified as a Variant of Uncertain Significance.

NC_000019.9:g.(?_6709675)_(6720600_?)dup

Gene: C3 (complement C3; minus strand). Cytogenetic location: 19p13.3.
Variant type: Duplication.
Identifiers: ClinVar variation 3242629 (VCV003242629.1).